The following is an entry in ClinVar:

NM_012330.4(KAT6B):c.5567C>T (p.Thr1856Ile)

Gene: KAT6B (lysine acetyltransferase 6B; plus strand). Cytogenetic location: 10q22.2.
Variant type: single nucleotide variant.
Coding change: c.5567C>T on transcript NM_012330.4 (MANE Select); coding-DNA position 5567, C replaced by T.
Protein change: p.Thr1856Ile; replaces threonine 1856 with isoleucine.
Molecular consequence: missense variant.
Genome position (GRCh38, 1-based): chr10:75,030,391, C>T. VCF-style: chr10-75030391-C-T. GRCh37 (hg19) VCF-style: chr10-76790149-C-T.
Other names: c.4691C>T, p.Thr1564Ile (NM_001370139.1, NM_001370140.1, NM_001370141.1 and 2 more transcripts); c.4502C>T, p.Thr1501Ile (NM_001370143.1, NM_001370144.1); c.5018C>T, p.Thr1673Ile (NM_001256468.2, NM_001370138.1); c.4529C>T, p.Thr1510Ile (NM_001370132.1); c.3878C>T, p.Thr1293Ile (NM_001370133.1); c.3482C>T, p.Thr1161Ile (NM_001370134.1); c.3224C>T, p.Thr1075Ile (NM_001370135.1); c.5567C>T, p.Thr1856Ile (NM_001370136.1, NM_001370137.1); short protein forms T1510I, T1673I, T1075I, T1161I, T1293I, T1564I, T1856I, T1501I.
Identifiers: ClinVar variation 3630599 (VCV003630599.2).

ClinVar aggregate classification (germline): Uncertain significance (1 of 4 stars; one submission).

Conditions:
Genitopatellar syndrome (GTPTS). Also called: ABSENT PATELLAE, SCROTAL HYPOPLASIA, RENAL ANOMALIES, FACIAL DYSMORPHISM, AND MENTAL RETARDATION; Genitopatellar syndrome (GPS). Identifiers: Orphanet 85201, MedGen C1853566, MONDO:0011640, OMIM 606170.

gnomAD v4.1: 33 of 1,614,122 alleles (0.002%); highest among the groups gnomAD compares: Non-Finnish European, 0.0026%; no homozygotes.

Submission:

Labcorp Genetics (formerly Invitae), Labcorp
Classification: Uncertain significance for Genitopatellar syndrome. Last evaluated: 2024-12-18. Review status: criteria provided, single submitter. Criteria: Invitae Variant Classification Sherloc (09022015). Collection method: clinical testing. Allele origin: germline.
Comment: This sequence change replaces threonine, which is neutral and polar, with isoleucine, which is neutral and non-polar, at codon 1856 of the KAT6B protein (p.Thr1856Ile). This variant is present in population databases (no rsID available, gnomAD 0.01%). This variant has not been reported in the literature in individuals affected with KAT6B-related conditions. An algorithm developed to predict the effect of missense changes on protein structure and function (PolyPhen-2) suggests that this variant is likely to be disruptive. In summary, the available evidence is currently insufficient to determine the role of this variant in disease. Therefore, it has been classified as a Variant of Uncertain Significance.